The following is an entry in ClinVar:

ClinVar aggregate classification (germline): Uncertain significance (1 of 4 stars; one submission).

Conditions:
Glycogen storage disease, type II (IOPD). Also called: Pompe Disease; CARDIOMEGALIA GLYCOGENICA DIFFUSA; GLYCOGENOSIS, GENERALIZED, CARDIAC FORM; GSD II; POMPE DISEASE, INFANTILE-ONSET; GLYCOGEN STORAGE DISEASE II, INFANTILE-ONSET. Identifiers: Orphanet 365, MedGen C0017921, MONDO:0009290, OMIM 232300.

Submission:

Genomenon, Inc
Classification: Uncertain significance for Glycogen storage disease, type II. Last evaluated: 2026-07-01. Review status: criteria provided, single submitter. Criteria: Genomenon Sequence Variant Interpretation Standards - Updated. Collection method: curation. Allele origin: germline. Affected: yes.
Comment: GAA p.Leu701Pro (c.2102T>C) is a missense variant that changes the amino acid at codon 701 from Leucine to Proline. This variant has been observed in at least one proband with a GAA-related disorder in the compound heterozygous and/or homozygous state (PMID:38162137). It is absent or not present at a significant frequency in gnomAD. In silico models predict that this variant is possibly or probably damaging. In conclusion, we classify GAA p.Leu701Pro (c.2102T>C) as a variant of uncertain significance.

Literature cited by the submitters: PubMed 38162137.

NM_000152.5(GAA):c.2102T>C (p.Leu701Pro)

Gene: GAA (alpha glucosidase; plus strand). Cytogenetic location: 17q25.3.
Variant type: single nucleotide variant.
Coding change: c.2102T>C on transcript NM_000152.5 (MANE Select); coding-DNA position 2102, T replaced by C.
Protein change: p.Leu701Pro; replaces leucine 701 with proline.
Molecular consequence: missense variant.
Genome position (GRCh38, 1-based): chr17:80,113,279, T>C. VCF-style: chr17-80113279-T-C. GRCh37 (hg19) VCF-style: chr17-78087078-T-C.
Other names: c.2102T>C, p.Leu701Pro (NM_001079803.3, NM_001079804.3, NM_001406741.1 and 1 more transcripts); short protein forms L701P.
Identifiers: ClinVar variation 4876589 (VCV004876589.1).
Genomic context (GRCh38, chr17:80,113,279, plus strand): 5'-CCCAGGAGCCGTACAGCTTCAGCGAGCCGGCCCAGCAGGCCATGAGGAAGGCCCTCACCC[T>C]GCGCTACGCACTCCTCCCCCACCTCTACACACTGTTCCACCAGGCCCACGTCGCGGGGGA-3'
Protein context (NP_000143.2, residues 691-711): AQQAMRKALT[Leu701Pro]RYALLPHLYT